The following is an entry in ClinVar:

ClinVar aggregate classification (germline): Uncertain significance (1 of 4 stars; one submission).

Conditions:
Hereditary spastic paraplegia 73. Also called: Spastic paraplegia 73, autosomal dominant. Identifiers: Orphanet 444099, MedGen C5568981, MONDO:0014568, OMIM 616282.

Submission:

Labcorp Genetics (formerly Invitae), Labcorp
Classification: Uncertain significance for Hereditary spastic paraplegia 73. Last evaluated: 2022-09-01. Review status: criteria provided, single submitter. Criteria: Invitae Variant Classification Sherloc (09022015). Collection method: clinical testing. Allele origin: germline.
Comment: This sequence change replaces leucine, which is neutral and non-polar, with arginine, which is basic and polar, at codon 36 of the CPT1C protein (p.Leu36Arg). In summary, the available evidence is currently insufficient to determine the role of this variant in disease. Therefore, it has been classified as a Variant of Uncertain Significance. Algorithms developed to predict the effect of missense changes on protein structure and function are either unavailable or do not agree on the potential impact of this missense change (SIFT: "Deleterious"; PolyPhen-2: "Probably Damaging"; Align-GVGD: "Class C0"). This variant has not been reported in the literature in individuals affected with CPT1C-related conditions. This variant is not present in population databases (gnomAD no frequency).

NM_001199753.2(CPT1C):c.107T>G (p.Leu36Arg)

Gene: CPT1C (carnitine palmitoyltransferase 1C; plus strand). Cytogenetic location: 19q13.33.
Variant type: single nucleotide variant.
Coding change: c.107T>G on transcript NM_001199753.2 (MANE Select); coding-DNA position 107, T replaced by G.
Protein change: p.Leu36Arg; replaces leucine 36 with arginine.
Molecular consequence: missense variant. On other transcripts: non-coding transcript variant (1).
Genome position (GRCh38, 1-based): chr19:49,692,359, T>G. VCF-style: chr19-49692359-T-G. GRCh37 (hg19) VCF-style: chr19-50195616-T-G.
Other names: c.107T>G, p.Leu36Arg (NM_001136052.3, NM_001199752.3, NM_001378482.1 and 7 more transcripts); short protein forms L36R.
Identifiers: ClinVar variation 2003799 (VCV002003799.4), dbSNP rs749307802, ClinGen allele CA406894078.